The following is an entry in ClinVar:

ClinVar aggregate classification (germline): Uncertain significance (1 of 4 stars; one submission).

Allele frequency attached by ClinVar (database versions not stated): gnomAD exomes 0.00001.
gnomAD v4.1: 3 of 1,614,196 alleles (0.00019%); highest among the groups gnomAD compares: Admixed American, 0.0033%; no homozygotes.

Submission:

Ambry Genetics
Classification: Uncertain significance. Last evaluated: 2022-07-05. Review status: criteria provided, single submitter. Criteria: Ambry Variant Classification Scheme 2023. Collection method: clinical testing. Allele origin: germline.
Comment: The p.T1590S variant (also known as c.4769C>G), located in coding exon 4 of the ALPK2 gene, results from a C to G substitution at nucleotide position 4769. The threonine at codon 1590 is replaced by serine, an amino acid with similar properties. This amino acid position is conserved. In addition, this alteration is predicted to be tolerated by in silico analysis. Since supporting evidence is limited at this time, the clinical significance of this alteration remains unclear.

NM_052947.4(ALPK2):c.4769C>G (p.Thr1590Ser)

Genes: ALPK2 (alpha kinase 2; minus strand), LOC126862764 (BRD4-independent group 4 enhancer GRCh37_chr18:56202574-56203773; plus strand). Cytogenetic location: 18q21.31.
Variant type: single nucleotide variant.
Coding change: c.4769C>G on transcript NM_052947.4 (MANE Select); coding-DNA position 4769, C replaced by G.
Protein change: p.Thr1590Ser; replaces threonine 1590 with serine.
Molecular consequence: missense variant.
Genome position (GRCh38, 1-based): chr18:58,535,418, G>C on the plus strand (C>G on the coding strand, the complement: ALPK2 is on the minus strand). VCF-style: chr18-58535418-G-C. GRCh37 (hg19) VCF-style: chr18-56202650-G-C.
Other names: short protein forms T1590S.
Identifiers: ClinVar variation 1742937 (VCV001742937.2), dbSNP rs545965176, ClinGen allele CA8976637.